The following is an entry in ClinVar:

NM_003482.4(KMT2D):c.12332C>T (p.Ala4111Val)

Gene: KMT2D (lysine methyltransferase 2D; minus strand). Cytogenetic location: 12q13.12.
Variant type: single nucleotide variant.
Coding change: c.12332C>T on transcript NM_003482.4 (MANE Select); coding-DNA position 12332, C replaced by T.
Protein change: p.Ala4111Val; replaces alanine 4111 with valine.
Molecular consequence: missense variant.
Genome position (GRCh38, 1-based): chr12:49,032,373, G>A on the plus strand (C>T on the coding strand, the complement: KMT2D is on the minus strand). VCF-style: chr12-49032373-G-A. GRCh37 (hg19) VCF-style: chr12-49426156-G-A.
Other names: short protein forms A4111V.
Identifiers: ClinVar variation 2822521 (VCV002822521.3), dbSNP rs1942963138, ClinGen allele CA384712120.

ClinVar aggregate classification (germline): Uncertain significance (1 of 4 stars; one submission).

Conditions:
Kabuki syndrome. Also called: Kabuki make-up syndrome; NIIKAWA-KUROKI SYNDROME. Identifiers: Orphanet 2322, MedGen C0796004, MONDO:0016512.

Submission:

Labcorp Genetics (formerly Invitae), Labcorp
Classification: Uncertain significance for Kabuki syndrome. Last evaluated: 2023-02-08. Review status: criteria provided, single submitter. Criteria: Invitae Variant Classification Sherloc (09022015). Collection method: clinical testing. Allele origin: germline.
Comment: This variant has not been reported in the literature in individuals affected with KMT2D-related conditions. Advanced modeling of protein sequence and biophysical properties (such as structural, functional, and spatial information, amino acid conservation, physicochemical variation, residue mobility, and thermodynamic stability) performed at Invitae indicates that this missense variant is not expected to disrupt KMT2D protein function. In summary, the available evidence is currently insufficient to determine the role of this variant in disease. Therefore, it has been classified as a Variant of Uncertain Significance. This sequence change replaces alanine, which is neutral and non-polar, with valine, which is neutral and non-polar, at codon 4111 of the KMT2D protein (p.Ala4111Val). This variant is not present in population databases (gnomAD no frequency).